The following is an entry in ClinVar:

NM_014698.3(TMEM63A):c.210T>C (p.Ile70=)

Gene: TMEM63A (transmembrane protein 63A; minus strand). Cytogenetic location: 1q42.12.
Variant type: single nucleotide variant.
Coding change: c.210T>C on transcript NM_014698.3 (MANE Select); coding-DNA position 210, T replaced by C.
Protein change: p.Ile70=; no amino-acid change (isoleucine 70 retained).
Molecular consequence: synonymous variant.
Genome position (GRCh38, 1-based): chr1:225,874,344, A>G on the plus strand (T>C on the coding strand, the complement: TMEM63A is on the minus strand). VCF-style: chr1-225874344-A-G. GRCh37 (hg19) VCF-style: chr1-226062044-A-G.
Identifiers: ClinVar variation 2639966 (VCV002639966.24), dbSNP rs2464945060, ClinGen allele CA423514864.

ClinVar aggregate classification (germline): Likely benign (1 of 4 stars; one submission).

Allele frequency attached by ClinVar (database versions not stated): gnomAD exomes below 0.00001.
gnomAD v4.1: 1 of 1,613,834 alleles (0.000062%); highest among the groups gnomAD compares: Non-Finnish European, 0.000085%; no homozygotes.

Submission:

CeGaT Center for Human Genetics Tuebingen
Classification: Likely benign. Last evaluated: 2022-03-01. Review status: criteria provided, single submitter. Criteria: CeGaT Center For Human Genetics Tuebingen Variant Classification Criteria Version 2. Collection method: clinical testing. Allele origin: germline. Affected: yes. Observed: 1 variant allele.
Comment: TMEM63A: BP4, BP7